The following is an entry in ClinVar:

ClinVar aggregate classification (germline): Uncertain significance (1 of 4 stars; one submission).

Conditions:
Inborn genetic diseases. Identifiers: MedGen C0950123, MeSH D030342.

Allele frequency attached by ClinVar (database versions not stated): gnomAD exomes below 0.00001; ExAC 0.00001; gnomAD 0.00001; 1000 Genomes Project 30x 0.00016; 1000 Genomes Project 0.00020.
gnomAD v4.1: 2 of 1,605,828 alleles (0.00012%); highest among the groups gnomAD compares: South Asian, 0.0022%; no homozygotes.

Submission:

Ambry Genetics
Classification: Uncertain significance for Inborn genetic diseases. Last evaluated: 2022-06-21. Review status: criteria provided, single submitter. Criteria: Ambry Variant Classification Scheme 2023. Collection method: clinical testing. Allele origin: germline.
Comment: The c.3416-5C>T intronic alteration consists of a C to T substitution 5 nucleotides before coding exon 21 in the MADD gene. Based on insufficient or conflicting evidence, the clinical significance of this alteration remains unclear.

NM_001376571.1(MADD):c.3416-5C>T

Gene: MADD (MAP kinase activating death domain; plus strand). Cytogenetic location: 11p11.2.
Variant type: single nucleotide variant.
Coding change: c.3416-5C>T on transcript NM_001376571.1 (MANE Select); 5 bases into the intron before coding-DNA position 3416, C replaced by T.
Molecular consequence: intron variant. On other transcripts: non-coding transcript variant (1).
Genome position (GRCh38, 1-based): chr11:47,293,878, C>T. VCF-style: chr11-47293878-C-T. GRCh37 (hg19) VCF-style: chr11-47315429-C-T.
Other names: c.3173-5C>T (NM_001376651.1, NM_001376616.1, NM_001376619.1 and 14 more transcripts); c.3302-5C>T (NM_130470.3, NM_001376622.1, NM_001376594.1 and 7 more transcripts); c.3227-5C>T (NM_001376641.1, NM_001376595.1, NM_001376640.1 and 4 more transcripts); c.3356-5C>T (NM_001376576.1, NM_001376575.1, NM_001376608.1 and 2 more transcripts); c.3200-5C>T (NM_001376614.1, NM_001376611.1, NM_001376613.1 and 1 more transcripts); c.3275-5C>T (NM_001376631.1); c.3287-5C>T (NM_001376625.1, NM_001376630.1, NM_001376624.1 and 4 more transcripts); c.3233-5C>T (NM_001376636.1, NM_001376638.1, NM_130471.3 and 7 more transcripts); and 17 more.
Identifiers: ClinVar variation 2290101 (VCV002290101.2), dbSNP rs540158523, ClinGen allele CA5974797.